The following is an entry in ClinVar:

NM_000780.4(CYP7A1):c.1119C>G (p.His373Gln)

Genes: CYP7A1 (cytochrome P450 family 7 subfamily A member 1; minus strand), LOC126860400 (BRD4-independent group 4 enhancer GRCh37_chr8:59404317-59405516; plus strand). Cytogenetic location: 8q12.1.
Variant type: single nucleotide variant.
Coding change: c.1119C>G on transcript NM_000780.4 (MANE Select); coding-DNA position 1119, C replaced by G.
Protein change: p.His373Gln; replaces histidine 373 with glutamine.
Molecular consequence: missense variant.
Genome position (GRCh38, 1-based): chr8:58,492,449, G>C on the plus strand (C>G on the coding strand, the complement: CYP7A1 is on the minus strand). VCF-style: chr8-58492449-G-C. GRCh37 (hg19) VCF-style: chr8-59405008-G-C.
Other names: c.1119C>G (NM_000780.3); short protein forms H373Q.
Identifiers: ClinVar variation 2078522 (VCV002078522.5), dbSNP rs761420413, ClinGen allele CA4756651.

ClinVar aggregate classification (germline): Uncertain significance. Review status: criteria provided, multiple submitters, no conflicts (2 of 4 stars). 2 submissions from 2 submitters: Uncertain significance (2). Last evaluated 2024-03-01.

Allele frequency attached by ClinVar (database versions not stated): TOPMed 0.00010.
gnomAD v4.1: 32 of 1,614,024 alleles (0.002%); highest among the groups gnomAD compares: Admixed American, 0.043%; no homozygotes.

Submissions (2):

Labcorp Genetics (formerly Invitae), Labcorp
Classification: Uncertain significance. Last evaluated: 2024-03-01. Review status: criteria provided, single submitter. Criteria: Invitae Variant Classification Sherloc (09022015). Collection method: clinical testing. Allele origin: germline.
Comment: This sequence change replaces histidine, which is basic and polar, with glutamine, which is neutral and polar, at codon 373 of the CYP7A1 protein (p.His373Gln). This variant is present in population databases (rs761420413, gnomAD 0.06%), and has an allele count higher than expected for a pathogenic variant. This variant has not been reported in the literature in individuals affected with CYP7A1-related conditions. ClinVar contains an entry for this variant (Variation ID: 2078522). Advanced modeling of protein sequence and biophysical properties (such as structural, functional, and spatial information, amino acid conservation, physicochemical variation, residue mobility, and thermodynamic stability) performed at Invitae indicates that this missense variant is not expected to disrupt CYP7A1 protein function with a negative predictive value of 80%. In summary, the available evidence is currently insufficient to determine the role of this variant in disease. Therefore, it has been classified as a Variant of Uncertain Significance.

Ambry Genetics
Classification: Uncertain significance. Last evaluated: 2024-01-08. Review status: criteria provided, single submitter. Criteria: Ambry Variant Classification Scheme 2023. Collection method: clinical testing. Allele origin: germline.